The following is an entry in ClinVar:

ClinVar aggregate classification (germline): Uncertain significance (1 of 4 stars; one submission).

Conditions:
Familial intrahepatic cholestasis. Identifiers: Orphanet 284385, MedGen CN296401, MONDO:0017290.

Submission:

Genomenon, Inc
Classification: Uncertain significance for Familial intrahepatic cholestasis. Last evaluated: 2026-04-14. Review status: criteria provided, single submitter. Criteria: Genomenon Sequence Variant Interpretation Standards - Updated. Collection method: curation. Allele origin: germline. Affected: no.
Comment: ATP8B1 p.Tyr450Cys (c.1349A>G) is a missense variant that changes the amino acid at residue 450 from Tyrosine to Cysteine. This variant has been reported in the published literature (PMID:37208429). It is absent or not present at a significant frequency in gnomAD. In silico models predict that this variant is possibly or probably damaging. In conclusion, we classify ATP8B1 p.Tyr450Cys (c.1349A>G) as a variant of uncertain significance.

Literature cited by the submitters: PubMed 37208429.

NM_001374385.1(ATP8B1):c.1349A>G (p.Tyr450Cys)

Gene: ATP8B1 (ATPase phospholipid transporting 8B1; minus strand). Cytogenetic location: 18q21.31.
Variant type: single nucleotide variant.
Coding change: c.1349A>G on transcript NM_001374385.1 (MANE Select); coding-DNA position 1349, A replaced by G.
Protein change: p.Tyr450Cys; replaces tyrosine 450 with cysteine.
Molecular consequence: missense variant.
Genome position (GRCh38, 1-based): chr18:57,688,379, T>C on the plus strand (A>G on the coding strand, the complement: ATP8B1 is on the minus strand). VCF-style: chr18-57688379-T-C. GRCh37 (hg19) VCF-style: chr18-55355611-T-C.
Other names: c.1199A>G, p.Tyr400Cys (NM_001374386.1); c.1349A>G, p.Tyr450Cys (NM_005603.6); short protein forms Y400C, Y450C.
Identifiers: ClinVar variation 4846316 (VCV004846316.1).
Genomic context (GRCh38, chr18:57,688,379, plus strand): 5'-CAGCACTTTTTAAAGGTCATGATATTTTGTGTGAGTGTCCCCGTCTTATCAGAGAAGATA[T>C]AATGGATCTGCCCGAGCTGTTCATTGAGTGTGGTGGTTCTAGCTTTTGCGGGTGTGTCCT-3'
Protein context (NP_001361314.1, residues 440-460): TLNEQLGQIH[Tyr450Cys]IFSDKTGTLT